The following is an entry in ClinVar:

NM_001845.6(COL4A1):c.3662C>T (p.Pro1221Leu)

Gene: COL4A1 (collagen type IV alpha 1 chain; minus strand). Cytogenetic location: 13q34.
Variant type: single nucleotide variant.
Coding change: c.3662C>T on transcript NM_001845.6 (MANE Select); coding-DNA position 3662, C replaced by T.
Protein change: p.Pro1221Leu; replaces proline 1221 with leucine.
Molecular consequence: missense variant.
Genome position (GRCh38, 1-based): chr13:110,170,627, G>A on the plus strand (C>T on the coding strand, the complement: COL4A1 is on the minus strand). VCF-style: chr13-110170627-G-A. GRCh37 (hg19) VCF-style: chr13-110822974-G-A.
Other names: c.3662C>T (NM_001845.4); short protein forms P1221L.
Identifiers: ClinVar variation 1516534 (VCV001516534.10), dbSNP rs761859503, ClinGen allele CA7047183.
Genomic context (GRCh38, chr13:110,170,627, plus strand): 5'-TGAGGTCCGCGGTCTCCTTTGGGCCCCTCCGTGGCATGGCCTGGGGATCCCGGTAACCCC[G>A]GCTGTCCCTGGGGCCCCGGAGGACCCATGAATCCTTGCTCTCCTTTGGATCCAGGAATTC-3'
Protein context (NP_001836.3, residues 1211-1231): FMGPPGPQGQ[Pro1221Leu]GLPGSPGHAT

ClinVar aggregate classification (germline): Uncertain significance. Review status: criteria provided, multiple submitters, no conflicts (2 of 4 stars). 3 submissions from 3 submitters: Uncertain significance (3). Last evaluated 2025-05-03.

Allele frequency attached by ClinVar (database versions not stated): gnomAD 0.00001; gnomAD exomes 0.00002; TOPMed 0.00002; ExAC 0.00003.
gnomAD v4.1: 27 of 1,612,820 alleles (0.0017%); highest among the groups gnomAD compares: South Asian, 0.0055%; no homozygotes.

Submissions (3):

Labcorp Genetics (formerly Invitae), Labcorp
Classification: Uncertain significance. Last evaluated: 2025-05-03. Review status: criteria provided, single submitter. Criteria: Invitae Variant Classification Sherloc (09022015). Collection method: clinical testing. Allele origin: germline.
Comment: This sequence change replaces proline, which is neutral and non-polar, with leucine, which is neutral and non-polar, at codon 1221 of the COL4A1 protein (p.Pro1221Leu). This variant is present in population databases (rs761859503, gnomAD 0.007%). This variant has not been reported in the literature in individuals affected with COL4A1-related conditions. ClinVar contains an entry for this variant (Variation ID: 1516534). Invitae Evidence Modeling of protein sequence and biophysical properties (such as structural, functional, and spatial information, amino acid conservation, physicochemical variation, residue mobility, and thermodynamic stability) indicates that this missense variant is not expected to disrupt COL4A1 protein function with a negative predictive value of 95%. In summary, the available evidence is currently insufficient to determine the role of this variant in disease. Therefore, it has been classified as a Variant of Uncertain Significance.

Revvity Omics, Revvity
Classification: Uncertain significance. Last evaluated: 2024-06-25. Review status: criteria provided, single submitter. Criteria: ACMG Guidelines, 2015. Collection method: clinical testing. Allele origin: germline.

GeneDx
Classification: Uncertain significance. Last evaluated: 2023-10-05. Review status: criteria provided, single submitter. Criteria: GeneDx Variant Classification Process June 2021. Collection method: clinical testing. Allele origin: germline. Affected: yes.
Comment: Has not been previously published as pathogenic or benign to our knowledge; In silico analysis supports that this missense variant has a deleterious effect on protein structure/function; Occurs in the triple helical domain at the Y position in the canonical Gly-X-Y repeat; although this variant may have an effect on normal protein folding and function, missense substitution at the Y position is not a common mechanism of disease